The following is an entry in ClinVar:

ClinVar aggregate classification (germline): Uncertain significance (1 of 4 stars; one submission).

Conditions:
Tuberous sclerosis 2 (TSC2). Identifiers: Orphanet 805, MedGen C1860707, MONDO:0013199, OMIM 613254.

Submission:

Labcorp Genetics (formerly Invitae), Labcorp
Classification: Uncertain significance for Tuberous sclerosis 2. Last evaluated: 2024-06-19. Review status: criteria provided, single submitter. Criteria: Invitae Variant Classification Sherloc (09022015). Collection method: clinical testing. Allele origin: germline.
Comment: This sequence change disrupts the translational stop signal of the TSC2 mRNA. It is expected to extend the length of the TSC2 protein by 18 additional amino acid residues. This variant is not present in population databases (gnomAD no frequency). This variant has not been reported in the literature in individuals affected with TSC2-related conditions. Experimental studies and prediction algorithms are not available or were not evaluated, and the functional significance of this variant is currently unknown. Algorithms developed to predict the effect of sequence changes on RNA splicing suggest that this variant may create or strengthen a splice site. In summary, the available evidence is currently insufficient to determine the role of this variant in disease. Therefore, it has been classified as a Variant of Uncertain Significance.

NM_000548.5(TSC2):c.5422_5423dup (p.Ter1808CysextTer?)

Gene: TSC2 (TSC complex subunit 2; plus strand). Cytogenetic location: 16p13.3.
Variant type: Microsatellite.
Coding change: c.5422_5423dup on transcript NM_000548.5 (MANE Select); coding-DNA positions 5422 to 5423, 2 bases duplicated (TG; older notation c.5422_5423dupTG).
Protein change: p.Ter1808CysextTer?.
Molecular consequence: frameshift variant, stop lost. On other transcripts: non-coding transcript variant (5).
Genome position (GRCh38, 1-based): chr16:2,088,608-2,088,609, TG duplicated; duplicating any 2 consecutive bases within chr16:2,088,604-2,088,609 gives the same sequence; the c. name uses the placement nearest the transcript's 3' end. VCF-style (leftmost placement, unchanged base first): chr16-2088603-T-TTG. GRCh37 (hg19) VCF-style: chr16-2138604-T-TTG.
Other names: c.5221_5222dup, p.Ter1741CysextTer? (NM_001077183.3); c.5353_5354dup, p.Ter1785CysextTer? (NM_001114382.3); c.5113_5114dup, p.Ter1705CysextTer? (NM_001318827.2); c.5077_5078dup, p.Ter1693CysextTer? (NM_001318829.2); c.4690_4691dup, p.Ter1564CysextTer? (NM_001318831.2); c.5254_5255dup, p.Ter1752CysextTer? (NM_001318832.2); c.5224_5225dup, p.Ter1742CysextTer? (NM_001363528.2); c.5290_5291dup, p.Ter1764CysextTer? (NM_001370404.1); and 27 more.
Identifiers: ClinVar variation 3617386 (VCV003617386.2).